The following is an entry in ClinVar:

ClinVar aggregate classification (germline): Uncertain significance (1 of 4 stars; one submission).

gnomAD v4.1: 1 of 1,613,188 alleles (0.000062%); highest among the groups gnomAD compares: Non-Finnish European, 0.000085%; no homozygotes.

Submission:

Labcorp Genetics (formerly Invitae), Labcorp
Classification: Uncertain significance. Last evaluated: 2022-07-14. Review status: criteria provided, single submitter. Criteria: Invitae Variant Classification Sherloc (09022015). Collection method: clinical testing. Allele origin: germline.
Comment: Advanced modeling of protein sequence and biophysical properties (such as structural, functional, and spatial information, amino acid conservation, physicochemical variation, residue mobility, and thermodynamic stability) performed at Invitae indicates that this missense variant is not expected to disrupt CPLANE1 protein function. In summary, the available evidence is currently insufficient to determine the role of this variant in disease. Therefore, it has been classified as a Variant of Uncertain Significance. This variant has not been reported in the literature in individuals affected with CPLANE1-related conditions. This variant is not present in population databases (gnomAD no frequency). This sequence change replaces histidine, which is basic and polar, with glutamine, which is neutral and polar, at codon 2445 of the CPLANE1 protein (p.His2445Gln).

NM_001384732.1(CPLANE1):c.7335C>G (p.His2445Gln)

Gene: CPLANE1 (ciliogenesis and planar polarity effector complex subunit 1; minus strand). Cytogenetic location: 5p13.2.
Variant type: single nucleotide variant.
Coding change: c.7335C>G on transcript NM_001384732.1 (MANE Select); coding-DNA position 7335, C replaced by G.
Protein change: p.His2445Gln; replaces histidine 2445 with glutamine.
Molecular consequence: missense variant.
Genome position (GRCh38, 1-based): chr5:37,167,112, G>C on the plus strand (C>G on the coding strand, the complement: CPLANE1 is on the minus strand). VCF-style: chr5-37167112-G-C. GRCh37 (hg19) VCF-style: chr5-37167214-G-C.
Other names: c.7335C>G, p.His2445Gln (NM_023073.4); short protein forms H2445Q.
Identifiers: ClinVar variation 2016906 (VCV002016906.4), dbSNP rs1778455761, ClinGen allele CA359476984.